The following is an entry in ClinVar:

NM_178452.6(DNAAF1):c.1225G>T (p.Gly409Cys)

Gene: DNAAF1 (dynein axonemal assembly factor 1; plus strand). Cytogenetic location: 16q24.1.
Variant type: single nucleotide variant.
Coding change: c.1225G>T on transcript NM_178452.6 (MANE Select); coding-DNA position 1225, G replaced by T.
Protein change: p.Gly409Cys; replaces glycine 409 with cysteine.
Molecular consequence: missense variant.
Genome position (GRCh38, 1-based): chr16:84,170,053, G>T. VCF-style: chr16-84170053-G-T. GRCh37 (hg19) VCF-style: chr16-84203659-G-T.
Other names: c.517G>T, p.Gly173Cys (NM_001318756.1); short protein forms G409C, G173C.
Identifiers: ClinVar variation 525245 (VCV000525245.8), dbSNP rs950151051, ClinGen allele CA285523632.
Genomic context (GRCh38, chr16:84,170,053, plus strand): 5'-CTCTGCCCGGAAAAGCCAAGTGGAGAGGAGCCGCCTGTGGAGGCTAAAAGAGAGGATGGA[G>T]GTCCAGAGCCAGAGGGGACCCTCCCAGCTGAGACCCTGCTACTGTCGTCACCTGTGGAGG-3'
Protein context (NP_848547.4, residues 399-419): PPVEAKREDG[Gly409Cys]PEPEGTLPAE

ClinVar aggregate classification (germline): Uncertain significance (1 of 4 stars; one submission).

Conditions:
Primary ciliary dyskinesia. Also called: Ciliary dyskinesia. Identifiers: Orphanet 244, MedGen C0008780, MONDO:0016575, HP:0012265.

Allele frequency attached by ClinVar (database versions not stated): gnomAD exomes below 0.00001; TOPMed 0.00001; gnomAD 0.00006.
gnomAD v4.1: 4 of 1,613,764 alleles (0.00025%); highest among the groups gnomAD compares: African/African-American, 0.0013%; no homozygotes.

Submission:

Labcorp Genetics (formerly Invitae), Labcorp
Classification: Uncertain significance for Primary ciliary dyskinesia. Last evaluated: 2024-02-16. Review status: criteria provided, single submitter. Criteria: Invitae Variant Classification Sherloc (09022015). Collection method: clinical testing. Allele origin: germline.
Comment: This sequence change replaces glycine, which is neutral and non-polar, with cysteine, which is neutral and slightly polar, at codon 409 of the DNAAF1 protein (p.Gly409Cys). This variant is present in population databases (no rsID available, gnomAD 0.004%). This variant has not been reported in the literature in individuals affected with DNAAF1-related conditions. ClinVar contains an entry for this variant (Variation ID: 525245). An algorithm developed to predict the effect of missense changes on protein structure and function (PolyPhen-2) suggests that this variant¬†is likely to be tolerated. In summary, the available evidence is currently insufficient to determine the role of this variant in disease. Therefore, it has been classified as a Variant of Uncertain Significance.